The following is an entry in ClinVar:

ClinVar aggregate classification (germline): Uncertain significance. Review status: criteria provided, multiple submitters, no conflicts (2 of 4 stars). 3 submissions from 3 submitters: Uncertain significance (3). Last evaluated 2024-07-10.

Conditions:
Cardiovascular phenotype. Identifiers: MedGen CN230736.
Lethal congenital glycogen storage disease of heart. Also called: PHOSPHORYLASE KINASE DEFICIENCY OF HEART; GLYCOGEN STORAGE DISEASE OF HEART. Identifiers: Orphanet 439854, MedGen C1849813, MONDO:0009867, OMIM 261740.
Hypertrophic cardiomyopathy. Also called: HYPERTROPHIC MYOCARDIOPATHY. Identifiers: Orphanet 217569, MedGen C0007194, MeSH D002312, MONDO:0005045, HP:0001639.

Allele frequency attached by ClinVar (database versions not stated): gnomAD exomes below 0.00001; TOPMed below 0.00001; gnomAD 0.00001.
gnomAD v4.1: 2 of 1,610,348 alleles (0.00012%); highest among the groups gnomAD compares: Non-Finnish European, 0.00017%; no homozygotes.

Submissions (3):

All of Us Research Program, National Institutes of Health
Classification: Uncertain significance for Hypertrophic cardiomyopathy. Last evaluated: 2024-07-10. Review status: criteria provided, single submitter. Criteria: ACMG Guidelines, 2015. Collection method: clinical testing. Allele origin: germline. Inheritance: Autosomal dominant inheritance. Observed: 2 variant alleles, 2 heterozygotes.
Comment: This missense variant replaces glycine with cysteine at codon 18 of the PRKAG2 protein. Computational prediction suggests that this variant may not impact protein structure and function (internally defined REVEL score threshold <= 0.5, PMID: 27666373). To our knowledge, functional studies have not been reported for this variant. This variant has not been reported in individuals affected with PRKAG2-related disorders in the literature. This variant has not been identified in the general population by the Genome Aggregation Database (gnomAD). The available evidence is insufficient to determine the role of this variant in disease conclusively. Therefore, this variant is classified as a Variant of Uncertain Significance.

This study involves interpretation of variants in research participants for the purpose of population health screening. Participant phenotype was not available at the time of variant classification. Additional details can be found in publication PMID: 35346344, PMCID: PMC8962531

Ambry Genetics
Classification: Uncertain significance for Cardiovascular phenotype. Last evaluated: 2024-05-26. Review status: criteria provided, single submitter. Criteria: Ambry Variant Classification Scheme 2023. Collection method: clinical testing. Allele origin: germline.
Comment: The p.G18C variant (also known as c.52G>T), located in coding exon 1 of the PRKAG2 gene, results from a G to T substitution at nucleotide position 52. The glycine at codon 18 is replaced by cysteine, an amino acid with highly dissimilar properties. This amino acid position is conserved. In addition, the in silico prediction for this alteration is inconclusive. Based on the available evidence, the clinical significance of this variant remains unclear.

Labcorp Genetics (formerly Invitae), Labcorp
Classification: Uncertain significance for Lethal congenital glycogen storage disease of heart. Last evaluated: 2022-06-15. Review status: criteria provided, single submitter. Criteria: Invitae Variant Classification Sherloc (09022015). Collection method: clinical testing. Allele origin: germline.
Comment: This sequence change replaces glycine, which is neutral and non-polar, with cysteine, which is neutral and slightly polar, at codon 18 of the PRKAG2 protein (p.Gly18Cys). The frequency data for this variant in the population databases is considered unreliable, as metrics indicate poor data quality at this position in the gnomAD database. This variant has not been reported in the literature in individuals affected with PRKAG2-related conditions. Advanced modeling of protein sequence and biophysical properties (such as structural, functional, and spatial information, amino acid conservation, physicochemical variation, residue mobility, and thermodynamic stability) performed at Invitae indicates that this missense variant is not expected to disrupt PRKAG2 protein function. In summary, the available evidence is currently insufficient to determine the role of this variant in disease. Therefore, it has been classified as a Variant of Uncertain Significance.

NM_016203.4(PRKAG2):c.52G>T (p.Gly18Cys)

Gene: PRKAG2 (protein kinase AMP-activated non-catalytic subunit gamma 2; minus strand). Cytogenetic location: 7q36.1.
Variant type: single nucleotide variant.
Coding change: c.52G>T on transcript NM_016203.4 (MANE Select); coding-DNA position 52, G replaced by T.
Protein change: p.Gly18Cys; replaces glycine 18 with cysteine.
Molecular consequence: missense variant.
Genome position (GRCh38, 1-based): chr7:151,876,569, C>A on the plus strand (G>T on the coding strand, the complement: PRKAG2 is on the minus strand). VCF-style: chr7-151876569-C-A. GRCh37 (hg19) VCF-style: chr7-151573654-C-A.
Other names: c.52G>T, p.Gly18Cys (NM_001407021.1, NM_001407022.1, NM_001407023.1 and 2 more transcripts); c.52G>T (NM_016203.3); short protein forms G18C.
Identifiers: ClinVar variation 2426524 (VCV002426524.6), dbSNP rs1282017092, ClinGen allele CA370071967.
Genomic context (GRCh38, chr7:151,876,569, plus strand): 5'-GAATGTGCACGCGCAGCGAACGCCTCTTCTGGCTGGCATTTTTCTTGCCGCCGCTCCCGC[C>A]GGGGCTGGAAACATCTTTTTTCTTCTTGGTGTCCATAACCGCGCTTCCCATAACTCTAAC-3'
Protein context (NP_057287.2, residues 8-28): TKKKKDVSSP[Gly18Cys]GSGGKKNASQ